The following is an entry in ClinVar:

ClinVar aggregate classification (germline): Uncertain significance (1 of 4 stars; one submission).

Allele frequency attached by ClinVar (database versions not stated): gnomAD exomes below 0.00001.
gnomAD v4.1: 1 of 1,613,932 alleles (0.000062%); highest among the groups gnomAD compares: Non-Finnish European, 0.000085%; no homozygotes.

Submission:

Ambry Genetics
Classification: Uncertain significance. Last evaluated: 2022-06-20. Review status: criteria provided, single submitter. Criteria: Ambry Variant Classification Scheme 2023. Collection method: clinical testing. Allele origin: germline.
Comment: The p.D343G variant (also known as c.1028A>G), located in coding exon 5 of the MNDA gene, results from an A to G substitution at nucleotide position 1028. The aspartic acid at codon 343 is replaced by glycine, an amino acid with similar properties. This amino acid position is conserved. In addition, the in silico prediction for this alteration is inconclusive. Since supporting evidence is limited at this time, the clinical significance of this alteration remains unclear.

NM_002432.3(MNDA):c.1028A>G (p.Asp343Gly)

Gene: MNDA (myeloid cell nuclear differentiation antigen; plus strand). Cytogenetic location: 1q23.1.
Variant type: single nucleotide variant.
Coding change: c.1028A>G on transcript NM_002432.3 (MANE Select); coding-DNA position 1028, A replaced by G.
Protein change: p.Asp343Gly; replaces aspartic acid 343 with glycine.
Molecular consequence: missense variant.
Genome position (GRCh38, 1-based): chr1:158,847,768, A>G. VCF-style: chr1-158847768-A-G. GRCh37 (hg19) VCF-style: chr1-158817558-A-G.
Other names: short protein forms D343G.
Identifiers: ClinVar variation 1770060 (VCV001770060.2), dbSNP rs2526092280, ClinGen allele CA343043839.